The following is an entry in ClinVar:

ClinVar aggregate classification (germline): Likely benign. Review status: criteria provided, multiple submitters, no conflicts (2 of 4 stars). 5 submissions from 5 submitters: Likely benign (5). Last evaluated 2025-12-16.

Conditions:
Hereditary cancer-predisposing syndrome. Also called: Neoplastic Syndromes, Hereditary; Hereditary Cancer Syndrome; Hereditary neoplastic syndrome; Tumor predisposition. Identifiers: Orphanet 140162, MedGen C0027672, MeSH D009386, MONDO:0015356.
Peutz-Jeghers syndrome (PJS). Also called: Peutz-Jeghers polyposis; Periorificial lentiginosis syndrome; POLYPOSIS, HAMARTOMATOUS INTESTINAL; POLYPS-AND-SPOTS SYNDROME. Identifiers: Orphanet 2869, MedGen C0031269, MeSH D010580, MONDO:0008280, OMIM 175200.

Allele frequency attached by ClinVar (database versions not stated): TOPMed below 0.00001.

Submissions (5):

Labcorp Genetics (formerly Invitae), Labcorp
Classification: Likely benign for Peutz-Jeghers syndrome. Last evaluated: 2025-12-16. Review status: criteria provided, single submitter. Criteria: Invitae Variant Classification Sherloc (09022015). Collection method: clinical testing. Allele origin: germline.

Myriad Genetics, Inc.
Classification: Likely benign for Peutz-Jeghers syndrome. Last evaluated: 2025-03-26. Review status: criteria provided, single submitter. Criteria: Myriad Autosomal Dominant, Autosomal Recessive and X-Linked Classification Criteria (2023). Collection method: clinical testing. Allele origin: unknown.
Comment: This variant is considered likely benign. This variant is intronic and is not expected to impact mRNA splicing.

Color Diagnostics, LLC DBA Color Health
Classification: Likely benign for Hereditary cancer-predisposing syndrome. Last evaluated: 2022-08-22. Review status: criteria provided, single submitter. Criteria: ACMG Guidelines, 2015. Collection method: clinical testing. Allele origin: germline.

GeneDx
Classification: Likely benign. Last evaluated: 2017-12-28. Review status: criteria provided, single submitter. Criteria: GeneDx Variant Classification (06012015). Collection method: clinical testing. Allele origin: germline. Affected: yes.
Comment: This variant is considered likely benign or benign based on one or more of the following criteria: it is a conservative change, it occurs at a poorly conserved position in the protein, it is predicted to be benign by multiple in silico algorithms, and/or has population frequency not consistent with disease.

Ambry Genetics
Classification: Likely benign for Hereditary cancer-predisposing syndrome. Last evaluated: 2013-08-29. Review status: criteria provided, single submitter. Criteria: Ambry Autosomal Dominant and X-Linked criteria (10/2015). Collection method: clinical testing. Allele origin: germline. Observed: 1 variant allele.

NM_000455.5(STK11):c.598-12G>A

Gene: STK11 (serine/threonine kinase 11; plus strand). Cytogenetic location: 19p13.3.
Variant type: single nucleotide variant.
Coding change: c.598-12G>A on transcript NM_000455.5 (MANE Select); 12 bases into the intron before coding-DNA position 598, G replaced by A.
Molecular consequence: intron variant.
Genome position (GRCh38, 1-based): chr19:1,220,569, G>A. VCF-style: chr19-1220569-G-A. GRCh37 (hg19) VCF-style: chr19-1220568-G-A.
Identifiers: ClinVar variation 141210 (VCV000141210.14), dbSNP rs587781578, ClinGen allele CA023113.